The following is an entry in ClinVar:

NM_000548.5(TSC2):c.4152G>A (p.Lys1384=)

Gene: TSC2 (TSC complex subunit 2; plus strand). Cytogenetic location: 16p13.3.
Variant type: single nucleotide variant.
Coding change: c.4152G>A on transcript NM_000548.5 (MANE Select); coding-DNA position 4152, G replaced by A.
Protein change: p.Lys1384=; no amino-acid change (lysine 1384 retained).
Molecular consequence: synonymous variant.
Genome position (GRCh38, 1-based): chr16:2,084,374, G>A. VCF-style: chr16-2084374-G-A. GRCh37 (hg19) VCF-style: chr16-2134375-G-A.
Other names: c.3951G>A, p.Lys1317= (NM_001077183.3); c.4083G>A, p.Lys1361= (NM_001114382.3); c.3843G>A, p.Lys1281= (NM_001318827.2); c.3807G>A, p.Lys1269= (NM_001318829.2); c.3420G>A, p.Lys1140= (NM_001318831.2); c.3984G>A, p.Lys1328= (NM_001318832.2); c.3954G>A, p.Lys1318= (NM_001363528.2); c.4020G>A, p.Lys1340= (NM_001370404.1); and 1 more.
Identifiers: ClinVar variation 1110239 (VCV001110239.13), dbSNP rs2151525029, ClinGen allele CA493043110.

ClinVar aggregate classification (germline): Benign/Likely benign. Review status: criteria provided, multiple submitters, no conflicts (2 of 4 stars). 4 submissions from 4 submitters: Benign (1); Likely benign (3). Last evaluated 2025-11-09.

Conditions:
Tuberous sclerosis syndrome (TSC). Also called: Tuberous sclerosis; Tuberous Sclerosis Complex. Identifiers: Orphanet 805, MedGen C0041341, MONDO:0001734.
Hereditary cancer-predisposing syndrome. Also called: Hereditary neoplastic syndrome; Tumor predisposition; Neoplastic Syndromes, Hereditary; Hereditary Cancer Syndrome. Identifiers: Orphanet 140162, MedGen C0027672, MeSH D009386, MONDO:0015356.
Tuberous sclerosis 2 (TSC2). Identifiers: Orphanet 805, MedGen C1860707, MONDO:0013199, OMIM 613254.

gnomAD v4.1: 1 of 1,612,552 alleles (0.000062%); highest among the groups gnomAD compares: Non-Finnish European, 0.000085%; no homozygotes.

Submissions (4):

Labcorp Genetics (formerly Invitae), Labcorp
Classification: Likely benign for Tuberous sclerosis 2. Last evaluated: 2025-11-09. Review status: criteria provided, single submitter. Criteria: Invitae Variant Classification Sherloc (09022015). Collection method: clinical testing. Allele origin: germline.

Myriad Genetics, Inc.
Classification: Benign for Tuberous sclerosis 2. Last evaluated: 2025-06-03. Review status: criteria provided, single submitter. Criteria: Myriad Autosomal Dominant, Autosomal Recessive and X-Linked Classification Criteria (2023). Collection method: clinical testing. Allele origin: unknown.
Comment: This variant is considered benign. This variant is a silent/synonymous amino acid change and it is not expected to impact splicing.

All of Us Research Program, National Institutes of Health
Classification: Likely benign for Tuberous sclerosis syndrome. Last evaluated: 2023-12-13. Review status: criteria provided, single submitter. Criteria: ACMG Guidelines, 2015. Collection method: clinical testing. Allele origin: germline. Inheritance: Autosomal dominant inheritance. Observed: 1 variant allele, 1 heterozygote.
Comment: This study involves interpretation of variants in research participants for the purpose of population health screening. Participant phenotype was not available at the time of variant classification. Additional details can be found in publication PMID: 35346344, PMCID: PMC8962531

Ambry Genetics
Classification: Likely benign for Hereditary cancer-predisposing syndrome. Last evaluated: 2020-12-15. Review status: criteria provided, single submitter. Criteria: Ambry Variant Classification Scheme 2023. Collection method: clinical testing. Allele origin: germline.